The following is an entry in ClinVar:

ClinVar aggregate classification (germline): Uncertain significance (1 of 4 stars; one submission).

Conditions:
Pheochromocytoma/paraganglioma syndrome 5. Also called: SDHA-Related Hereditary Paraganglioma-Pheochromocytoma Syndrome; Paragangliomas 5. Identifiers: Orphanet 29072, MedGen C3279992, MONDO:0013602, OMIM 614165.

Submission:

St. Jude Molecular Pathology, St. Jude Children's Research Hospital
Classification: Uncertain significance for Pheochromocytoma/paraganglioma syndrome 5. Last evaluated: 2026-10-01. Review status: criteria provided, single submitter. Criteria: St. Jude Assertion Criteria 2020. Collection method: clinical testing. Allele origin: germline.
Comment: The SDHA c.224G>T p.(Arg75Leu) missense change is absent in gnomAD v2.1.1. The in silico tool REVEL predicts a deleterious effect on protein function, but to our knowledge this prediction has not been confirmed by functional studies. To our knowledge, this variant has not been reported in individuals with SDHA-associated tumors. In summary, the evidence currently available is insufficient to determine the clinical significance of this variant. It has therefore been classified as of uncertain significance.

NM_004168.4(SDHA):c.224G>T (p.Arg75Leu)

Gene: SDHA (succinate dehydrogenase complex flavoprotein subunit A; plus strand). Cytogenetic location: 5p15.33.
Variant type: single nucleotide variant.
Coding change: c.224G>T on transcript NM_004168.4 (MANE Select); coding-DNA position 224, G replaced by T.
Protein change: p.Arg75Leu; replaces arginine 75 with leucine.
Molecular consequence: missense variant.
Genome position (GRCh38, 1-based): chr5:224,433, G>T. VCF-style: chr5-224433-G-T. GRCh37 (hg19) VCF-style: chr5-224548-G-T.
Other names: c.224G>T, p.Arg75Leu (NM_001294332.2, NM_001330758.2); short protein forms R75L.
Identifiers: ClinVar variation 5038360 (VCV005038360.1).
Genomic context (GRCh38, chr5:224,433, plus strand): 5'-ATCCAGTAGTGGATCATGAATTTGATGCAGTGGTGGTAGGCGCTGGAGGGGCAGGCTTGC[G>T]AGCTGCATTTGGCCTTTCTGAGGCAGGGTTTAATACAGCATGTGTTACCAAGCTGTTTCC-3'
Protein context (NP_004159.2, residues 65-85): VVVGAGGAGL[Arg75Leu]AAFGLSEAGF